The following is an entry in ClinVar:

ClinVar aggregate classification (germline): Likely benign (1 of 4 stars; one submission).

Allele frequency attached by ClinVar (database versions not stated): ExAC 0.00001; TOPMed 0.00001; gnomAD 0.00003; ESP Exome Variant Server 0.00008.

Submission:

CeGaT Center for Human Genetics Tuebingen
Classification: Likely benign. Last evaluated: 2023-05-01. Review status: criteria provided, single submitter. Criteria: CeGaT Center For Human Genetics Tuebingen Variant Classification Criteria Version 2. Collection method: clinical testing. Allele origin: germline. Affected: yes. Observed: 1 variant allele.
Comment: LRP10: BP4, BP7

NM_014045.5(LRP10):c.798C>A (p.Thr266=)

Gene: LRP10 (LDL receptor related protein 10; plus strand). Cytogenetic location: 14q11.2.
Variant type: single nucleotide variant.
Coding change: c.798C>A on transcript NM_014045.5 (MANE Select); coding-DNA position 798, C replaced by A.
Protein change: p.Thr266=; no amino-acid change (threonine 266 retained).
Molecular consequence: synonymous variant.
Genome position (GRCh38, 1-based): chr14:22,875,746, C>A. VCF-style: chr14-22875746-C-A. GRCh37 (hg19) VCF-style: chr14-23344955-C-A.
Other names: c.798C>A, p.Thr266= (NM_001329226.2).
Identifiers: ClinVar variation 2644079 (VCV002644079.24), dbSNP rs146471614, ClinGen allele CA7105804.
Genomic context (GRCh38, chr14:22,875,746, plus strand): 5'-AGTGCATGTGTATGACGGCCCTGGGCCCCCTGAGAGCTCCCGACTACTGCGTAGTCTCAC[C>A]CACTTCAGCAATGGCAAGGCTGTCACTGTGGAGACACTGTCTGGCCAGGCTGTTGTGTCC-3'
Protein context (NP_054764.2, residues 256-276): PESSRLLRSL[Thr266=]HFSNGKAVTV